The following is an entry in ClinVar:

NM_024685.4(BBS10):c.1091del (p.Asn364fs)

Gene: BBS10 (Bardet-Biedl syndrome 10; minus strand). Cytogenetic location: 12q21.2.
Variant type: Deletion.
Coding change: c.1091del on transcript NM_024685.4 (MANE Select); coding-DNA position 1091, one base deleted (A; older notation c.1091delA).
Protein change: p.Asn364fs; shifts the reading frame from asparagine 364.
Genome position (GRCh38, 1-based): chr12:76,346,894, T deleted on the plus strand (A on the coding strand, the reverse complement: BBS10 is on the minus strand); the first of 2 consecutive T bases (chr12:76,346,894-76,346,895); deleting either gives the same sequence. VCF-style (leftmost placement, unchanged base first): chr12-76346893-GT-G. GRCh37 (hg19) VCF-style: chr12-76740673-GT-G.
Other names: c.1091delA (NM_024685.4, NM_024685.3); short protein forms N364fs.
Identifiers: ClinVar variation 166723 (VCV000166723.37), dbSNP rs727503818, ClinGen allele CA273303.

ClinVar aggregate classification (germline): Pathogenic. Review status: criteria provided, multiple submitters, no conflicts (2 of 4 stars). 17 submissions from 17 submitters: Pathogenic (14). 3 of the submissions do not count toward it. Last evaluated 2026-04-13.

Conditions:
BBS10-related disorder. Also called: BBS10-related condition.
Bardet-Biedl syndrome (BBS). Identifiers: Orphanet 110, MedGen C0752166, MONDO:0015229.
Bardet-Biedl syndrome 1 (BBS1). Identifiers: MedGen C2936862, MONDO:0008854, OMIM 209900. Disease mechanism: loss of function.
Bardet-Biedl syndrome 10 (BBS10). Identifiers: Orphanet 110, MedGen C1859568, MONDO:0014438, OMIM 615987.

Submissions (17):

PreventionGenetics, part of Exact Sciences
Classification: Pathogenic for BBS10-related condition. Last evaluated: 2026-04-13. Review status: criteria provided, single submitter. Criteria: ACMG Guidelines, 2015. Collection method: clinical testing. Allele origin: germline.
Comment: The BBS10 c.1091delA variant is predicted to result in a frameshift and premature protein termination (p.Asn364Thrfs*5). This variant is documented to be causative for Bardet-Biedl syndrome (Muller et al. 2010. PubMed ID: 20177705; Chen et al. 2011. PubMed ID: 21642631; Mary et al. 2019. PubMed ID: 30614526). This variant is reported in 0.16% of alleles in individuals of Ashkenazi Jewish descent in gnomAD. This variant is reported in 0.16% of alleles in individuals of Ashkenazi Jewish descent in gnomAD. Frameshift variants in BBS10 are expected to be pathogenic and this variant has been consistently classified as pathogenic in ClinVar (Variation ID: 166723). This variant is interpreted as pathogenic.

Natera, Inc.
Classification: Pathogenic for Bardet-Biedl syndrome type 10. Last evaluated: 2025-04-08. Review status: criteria provided, single submitter. Criteria: Natera Variant Classification Schema (03/2026). Collection method: clinical testing. Allele origin: germline.
Comment: The c.1091delA variant in BBS10 is a frameshift variant predicted to shift the reading frame beginning at codon 364 and leads to a stop codon 5 codons downstream. This variant is expected to result in nonsense mediated decay, truncation, or a dysfunctional protein product. The frequency of this variant in the general population is greater than expected for disorder. This variant has been observed in one or more individuals affected with the associated recessive disease, as either homozygous or compound heterozygous with a second variant (PMID: 23591405, 20177705). Additionally, this variant has been observed to segregate in affected family members (PMID: 23591405). Given the available evidence, this variant is classified as Pathogenic.

GeneDx
Classification: Pathogenic. Last evaluated: 2024-10-31. Review status: criteria provided, single submitter. Criteria: GeneDx Variant Classification Process June 2021. Collection method: clinical testing. Allele origin: germline. Affected: yes.
Comment: Frameshift variant predicted to result in abnormal protein length as the last 360 amino acid(s) are replaced with 4 different amino acid(s), and other similar variants have been reported in HGMD; This variant is associated with the following publications: (PMID: 25366773, 20177705, 31964843, 31196119, 31980526, 34940782)

Fulgent Genetics
Classification: Pathogenic for Bardet-Biedl syndrome 10. Last evaluated: 2024-06-07. Review status: criteria provided, single submitter. Criteria: ACMG Guidelines, 2015. Collection method: clinical testing. Allele origin: germline.

Labcorp Genetics (formerly Invitae), Labcorp
Classification: Pathogenic for Bardet-Biedl syndrome. Last evaluated: 2024-03-02. Review status: criteria provided, single submitter. Criteria: Invitae Variant Classification Sherloc (09022015). Collection method: clinical testing. Allele origin: germline.
Comment: This sequence change creates a premature translational stop signal (p.Asn364Thrfs*5) in the BBS10 gene. While this is not anticipated to result in nonsense mediated decay, it is expected to disrupt the last 360 amino acid(s) of the BBS10 protein. This variant is present in population databases (rs727503818, gnomAD 0.2%). This premature translational stop signal has been observed in individual(s) with Bardet-Biedl syndrome (PMID: 20177705). ClinVar contains an entry for this variant (Variation ID: 166723). This variant disrupts a region of the BBS10 protein in which other variant(s) (p.Val707*) have been determined to be pathogenic (PMID: 20472660, 22773737, 25982971, 27486776). This suggests that this is a clinically significant region of the protein, and that variants that disrupt it are likely to be disease-causing. For these reasons, this variant has been classified as Pathogenic.

Revvity Omics, Revvity
Classification: Pathogenic for Bardet-Biedl syndrome 10. Last evaluated: 2023-12-06. Review status: criteria provided, single submitter. Criteria: ACMG Guidelines, 2015. Collection method: clinical testing. Allele origin: germline.

Blueprint Genetics
Classification: Pathogenic for BBS10-related disorders. Last evaluated: 2021-12-22. Review status: criteria provided, single submitter. Criteria: ACMG Guidelines, 2015. Collection method: clinical testing. Allele origin: germline. Affected: yes. Observed: 1 variant allele.

Department of Pathology and Laboratory Medicine, Sinai Health System
Classification: Pathogenic for Bardet-Biedl syndrome 10. Last evaluated: 2021-02-19. Review status: criteria provided, single submitter. Criteria: ACMG Guidelines, 2015. Collection method: research. Allele origin: germline.

Victorian Clinical Genetics Services, Murdoch Childrens Research Institute
Classification: Pathogenic for Bardet-Biedl syndrome 10. Last evaluated: 2020-05-21. Review status: criteria provided, single submitter. Criteria: ACMG Guidelines, 2015. Collection method: clinical testing. Allele origin: germline. Inheritance: Autosomal recessive inheritance.
Comment: A heterozygous deletion variant was identified, NM_024685.4(BBS10):c.1091del in exon 2 of 2 of the BBS10 gene. This deletion is predicted to cause a frameshift from amino acid position 364 introducing a stop codon downstream; NP_078961.3(BBS10):p.(Asn364Thrfs*5), resulting in loss of normal protein function through truncation (half of the protein). The variant is present in the gnomAD population database at a global population frequency of 0.007% (19 heterozygotes, 0 homozygotes) with an Ashkenazi-Jewish sub-population frequency of 0.2%. It has been previously reported in patients with Bardet-Biedl syndrome (ClinVar; Manara, E. et al. (2019)). Other variants predicted to cause a truncated protein have been reported as pathogenic in individuals with Bardet-Biedl syndrome (ClinVar). Based on information available at the time of curation, this variant has been classified as PATHOGENIC.

Illumina Laboratory Services, Illumina
Classification: Pathogenic for Bardet-Biedl syndrome 10. Last evaluated: 2018-08-15. Review status: criteria provided, single submitter. Criteria: ICSL Variant Classification Criteria 09 May 2019. Collection method: clinical testing. Allele origin: germline.
Comment: The BBS10 c.1091delA (p.Asn364ThrfsTer5) variant results in a frameshift, and is predicted to result in premature termination of the protein. Across four studies, the p.Asn364ThrfsTer5 variant has been identified in a total of four individuals with Bardet-Biedl syndrome (BBS) including in two in a homozygous state and in two in a compound heterozygous state with a second null variant (White et al. 2007; Muller et al. 2010; Chen et al. 2011; Pierrottet et al. 2014). One homozygous individual was also heterozygous for a missense variant in the BBS6 gene (Chen et al. 2011). Control data are unavailable for this variant, which is reported at a frequency of 0.001676 in the Ashkenazi Jewish population of the Genome Aggregation Database. Based on the evidence, the p.Asn364ThrfsTer5 variant is classified as pathogenic for Bardet-Biedl syndrome. This variant was observed by ICSL as part of a predisposition screen in an ostensibly healthy population.

Women's Health and Genetics/Laboratory Corporation of America, LabCorp
Classification: Pathogenic for Bardet-Biedl syndrome. Last evaluated: 2016-06-09. Review status: criteria provided, single submitter. Criteria: LabCorp Variant Classification Summary - May 2015. Collection method: clinical testing. Allele origin: germline.
Comment: Variant summary: The BBS10 c.1091delA (p.Asn364Thrfs) variant results in a premature termination codon, predicted to cause a truncated or absent BBS10 protein due to nonsense mediated decay, which are commonly known mechanisms for disease. One in silico tool predicts a damaging outcome for this variant. This variant was found in 6/121092 control chromosomes at a frequency of 0.0000495, which does not exceed the estimated maximal expected allele frequency of a pathogenic BBS10 variant (0.0013363). It was reported in several BBS patients in either homozygosity or compound heterozygosity with a disease causing variant indicating pathogenicity. Furthermore, truncations downstream of this position have been classified as pathogenic by our laboratory (e.g. c.1428delC, c.1677delC). Moreover, multiple clinical diagnostic laboratories/reputable databases classified this variant as pathogenic. Taken together, this variant is classified as pathogenic.

Laboratory for Molecular Medicine, Mass General Brigham Personalized Medicine
Classification: Pathogenic for Bardet-Biedl syndrome. Last evaluated: 2014-08-04. Review status: criteria provided, single submitter. Criteria: LMM Criteria. Collection method: clinical testing. Allele origin: germline. Inheritance: Autosomal recessive inheritance. Observed: 1 variant allele. Study: CSER-MedSeq.
Comment: The Asn364ThrfsX5 variant in BBS10 has been reported in 1 individual with Bardet Biedl syndrome in whom it was found to be in compound heterozygosity with another frameshift variant (Muller 2010). This variant was also not identified in large population studies. This frameshift variant is predicted to alter the protein’s amino acid sequence beginning at position 364 and lead to a premature termination codon 5 amino acids downstream. This alteration is then predicted to lead to a truncated or absent protein. In summary, this variant meets our criteria to be classified as pathogenic.

Eurofins Ntd Llc (ga)
Classification: Pathogenic. Last evaluated: 2014-05-02. Review status: criteria provided, single submitter. Criteria: EGL Classification Definitions 2015. Collection method: clinical testing. Allele origin: germline. Observed: 1 variant allele, 1 heterozygote.

Baylor Genetics
Classification: Pathogenic for Bardet-Biedl syndrome 1. Review status: criteria provided, single submitter. Criteria: ACMG Guidelines, 2015. Collection method: clinical testing. Allele origin: germline.

Sharon lab, Hadassah-Hebrew University Medical Center
Classification: Pathogenic for Bardet-Biedl syndrome. Last evaluated: 2019-06-23. Review status: no assertion criteria provided. Collection method: research. Allele origin: inherited. Affected: yes. Not counted in ClinVar's aggregate classification.

Laboratory of Medical Genetics (UMR_S 1112), INSERM/Strasbourg University
Classification: Pathogenic for Bardet-Biedl syndrome. Last evaluated: 2018-09-15. Review status: no assertion criteria provided. Collection method: provider interpretation. Allele origin: germline. Affected: yes. Study: French fetal BBS cohort. Not counted in ClinVar's aggregate classification.

Counsyl
Classification: Likely pathogenic for Bardet-Biedl syndrome 10. Last evaluated: 2014-04-09. Review status: no assertion criteria provided. Collection method: literature only. Allele origin: unknown. Inheritance: Autosomal recessive inheritance. Not counted in ClinVar's aggregate classification.

Literature cited by the submitters: PubMed 23591405 (cited by Natera, Inc. and Women's Health and Genetics/Laboratory Corporation of America, LabCorp); PubMed 20177705 (cited by 6 submitters); PubMed 20472660 (cited by Labcorp Genetics (formerly Invitae), Labcorp); PubMed 22773737 (cited by Labcorp Genetics (formerly Invitae), Labcorp); PubMed 25982971 (cited by Labcorp Genetics (formerly Invitae), Labcorp); PubMed 27486776 (cited by Labcorp Genetics (formerly Invitae), Labcorp); PubMed 31196119 (cited by Victorian Clinical Genetics Services, Murdoch Childrens Research Institute); PubMed 25366773 (cited by Illumina Laboratory Services, Illumina); PubMed 21642631 (cited by Illumina Laboratory Services, Illumina and Counsyl); PubMed 17106446 (cited by Illumina Laboratory Services, Illumina and Women's Health and Genetics/Laboratory Corporation of America, LabCorp); PubMed 21044901 (cited by Women's Health and Genetics/Laboratory Corporation of America, LabCorp and Counsyl); PubMed 30614526 (cited by Laboratory of Medical Genetics (UMR_S 1112), INSERM/Strasbourg University).